The following is an entry in ClinVar:

NM_000180.4(GUCY2D):c.1160T>A (p.Val387Asp)

Gene: GUCY2D (guanylate cyclase 2D, retinal; plus strand). Cytogenetic location: 17p13.1.
Variant type: single nucleotide variant.
Coding change: c.1160T>A on transcript NM_000180.4 (MANE Select); coding-DNA position 1160, T replaced by A.
Protein change: p.Val387Asp; replaces valine 387 with aspartic acid.
Molecular consequence: missense variant.
Genome position (GRCh38, 1-based): chr17:8,006,496, T>A. VCF-style: chr17-8006496-T-A. GRCh37 (hg19) VCF-style: chr17-7909814-T-A.
Other names: short protein forms V387D.
Identifiers: ClinVar variation 800243 (VCV000800243.13), dbSNP rs755223158, ClinGen allele CA8365670.

ClinVar aggregate classification (germline): Conflicting classifications of pathogenicity. Review status: criteria provided, conflicting classifications (1 of 4 stars). 4 submissions from 4 submitters: Uncertain significance (1); Likely benign (3). Last evaluated 2026-01-05.

Conditions:
GUCY2D-related disorder. Also called: GUCY2D-related condition.
Leber congenital amaurosis 1 (LCA1). Also called: AMAUROSIS CONGENITA OF LEBER I; Congenital absence of the rods and cones; Leber's congenital tapetoretinal degeneration; Leber's congenital tapetoretinal dysplasia; RETINAL BLINDNESS, CONGENITAL. Identifiers: Orphanet 65, MedGen C2931258, MONDO:0008764, OMIM 204000.
Cone-rod dystrophy 6 (CORD6). Also called: Cone dystrophy progressive; RETINAL CONE DYSTROPHY 2. Identifiers: Orphanet 1872, MedGen C1866293, MONDO:0011143, OMIM 601777.

Allele frequency attached by ClinVar (database versions not stated): gnomAD 0.00005; TOPMed 0.00013; gnomAD exomes 0.00015 and 0.00033; ExAC 0.00023.
gnomAD v4.1: 98 of 1,608,458 alleles (0.0061%); highest among the groups gnomAD compares: Admixed American, 0.16%; 1 homozygote.

Submissions (4):

Labcorp Genetics (formerly Invitae), Labcorp
Classification: Likely benign for Leber congenital amaurosis 1; Cone-rod dystrophy 6. Last evaluated: 2026-01-05. Review status: criteria provided, single submitter. Criteria: Invitae Variant Classification Sherloc (09022015). Collection method: clinical testing. Allele origin: germline.

PreventionGenetics, part of Exact Sciences
Classification: Likely benign for GUCY2D-related condition. Last evaluated: 2025-03-04. Review status: criteria provided, single submitter. Criteria: ACMG Guidelines, 2015. Collection method: clinical testing. Allele origin: germline.
Comment: This variant is classified as likely benign based on ACMG/AMP sequence variant interpretation guidelines (Richards et al. 2015 PMID: 25741868, with internal and published modifications).

GeneDx
Classification: Uncertain significance. Last evaluated: 2023-11-28. Review status: criteria provided, single submitter. Criteria: GeneDx Variant Classification Process June 2021. Collection method: clinical testing. Allele origin: germline. Affected: yes.
Comment: In silico analysis supports that this missense variant has a deleterious effect on protein structure/function; This variant is associated with the following publications: (PMID: 17964524)

Blueprint Genetics
Classification: Likely benign. Last evaluated: 2022-11-07. Review status: criteria provided, single submitter. Criteria: ACMG Guidelines, 2015. Collection method: clinical testing. Allele origin: germline.